The following is an entry in ClinVar:

ClinVar aggregate classification (germline): Likely benign. Review status: criteria provided, multiple submitters, no conflicts (2 of 4 stars). 2 submissions from 2 submitters: Likely benign (2). Last evaluated 2024-12-01.

Allele frequency attached by ClinVar (database versions not stated): ESP Exome Variant Server 0.00039; ExAC 0.00047; TOPMed 0.00074; 1000 Genomes Project 30x 0.00078; 1000 Genomes Project 0.00100.
gnomAD v4.1: 1,207 of 1,610,162 alleles (0.075%); highest among the groups gnomAD compares: Admixed American, 0.12%; 1 homozygote.

Submissions (2):

CeGaT Center for Human Genetics Tuebingen
Classification: Likely benign. Last evaluated: 2024-12-01. Review status: criteria provided, single submitter. Criteria: CeGaT Center For Human Genetics Tuebingen Variant Classification Criteria Version 2. Collection method: clinical testing. Allele origin: germline. Affected: yes. Observed: 4 variant alleles.
Comment: BRSK2: BP4, BP7

Blueprint Genetics
Classification: Likely benign. Last evaluated: 2024-10-24. Review status: criteria provided, single submitter. Criteria: ACMG Guidelines, 2015. Collection method: clinical testing. Allele origin: germline.

NM_001256627.2(BRSK2):c.831C>T (p.Pro277=)

Gene: BRSK2 (BR serine/threonine kinase 2; plus strand). Cytogenetic location: 11p15.5.
Variant type: single nucleotide variant.
Coding change: c.831C>T on transcript NM_001256627.2 (MANE Select); coding-DNA position 831, C replaced by T.
Protein change: p.Pro277=; no amino-acid change (proline 277 retained).
Molecular consequence: synonymous variant. On other transcripts: non-coding transcript variant (1).
Genome position (GRCh38, 1-based): chr11:1,445,312, C>T. VCF-style: chr11-1445312-C-T. GRCh37 (hg19) VCF-style: chr11-1466542-C-T.
Other names: c.651C>T, p.Pro217= (NM_001282218.2); c.831C>T, p.Pro277= (NM_003957.4, NM_001256629.2); c.969C>T, p.Pro323= (NM_001256630.1).
Identifiers: ClinVar variation 3025076 (VCV003025076.23), dbSNP rs201409224, ClinGen allele CA5810720.